The following is an entry in ClinVar:

NM_022081.6(HPS4):c.1826G>A (p.Arg609His)

Gene: HPS4 (HPS4 biogenesis of lysosomal organelles complex 3 subunit 2; minus strand). Cytogenetic location: 22q12.1.
Variant type: single nucleotide variant.
Coding change: c.1826G>A on transcript NM_022081.6 (MANE Select); coding-DNA position 1826, G replaced by A.
Protein change: p.Arg609His; replaces arginine 609 with histidine.
Molecular consequence: missense variant. On other transcripts: non-coding transcript variant (8), intron variant (2).
Genome position (GRCh38, 1-based): chr22:26,458,465, C>T on the plus strand (G>A on the coding strand, the complement: HPS4 is on the minus strand). VCF-style: chr22-26458465-C-T. GRCh37 (hg19) VCF-style: chr22-26854431-C-T.
Other names: c.1826G>A (NM_022081.4); c.1826G>A, p.Arg609His (NM_001349896.1, NM_001349898.2, NM_001349899.2 and 3 more transcripts); c.1880G>A, p.Arg627His (NM_001349900.2, NM_001349901.1); c.1811G>A, p.Arg604His (NM_152841.2); c.1714-5061G>A (NM_001349902.1, NM_001349903.2); short protein forms R604H, R609H, R627H.
Identifiers: ClinVar variation 1989391 (VCV001989391.2), dbSNP rs781375770, ClinGen allele CA10163205.

ClinVar aggregate classification (germline): Uncertain significance. Review status: criteria provided, multiple submitters, no conflicts (2 of 4 stars). 2 submissions from 2 submitters: Uncertain significance (2). Last evaluated 2025-08-29.

Conditions:
Inborn genetic diseases. Identifiers: MedGen C0950123, MeSH D030342.

Allele frequency attached by ClinVar (database versions not stated): ExAC 0.00001; gnomAD exomes 0.00001; TOPMed 0.00007; gnomAD 0.00009.
gnomAD v4.1: 23 of 1,614,020 alleles (0.0014%); highest among the groups gnomAD compares: African/African-American, 0.023%; no homozygotes.

Submissions (2):

Ambry Genetics
Classification: Uncertain significance for Inborn genetic diseases. Last evaluated: 2025-08-29. Review status: criteria provided, single submitter. Criteria: Ambry Variant Classification Scheme 2023. Collection method: clinical testing. Allele origin: germline.

Labcorp Genetics (formerly Invitae), Labcorp
Classification: Uncertain significance. Last evaluated: 2022-06-25. Review status: criteria provided, single submitter. Criteria: Invitae Variant Classification Sherloc (09022015). Collection method: clinical testing. Allele origin: germline.
Comment: This sequence change replaces arginine, which is basic and polar, with histidine, which is basic and polar, at codon 609 of the HPS4 protein (p.Arg609His). This variant is present in population databases (rs781375770, gnomAD 0.02%). This variant has not been reported in the literature in individuals affected with HPS4-related conditions. Algorithms developed to predict the effect of missense changes on protein structure and function output the following: SIFT: "Tolerated"; PolyPhen-2: "Benign"; Align-GVGD: "Class C0". The histidine amino acid residue is found in multiple mammalian species, which suggests that this missense change does not adversely affect protein function. In summary, the available evidence is currently insufficient to determine the role of this variant in disease. Therefore, it has been classified as a Variant of Uncertain Significance.